The following is an entry in ClinVar:

ClinVar aggregate classification (germline): Conflicting classifications of pathogenicity. Review status: criteria provided, conflicting classifications (1 of 4 stars). 2 submissions from 2 submitters: Uncertain significance (1); Likely benign (1). Last evaluated 2024-12-17.

Conditions:
Hereditary cancer-predisposing syndrome. Also called: Hereditary neoplastic syndrome; Neoplastic Syndromes, Hereditary; Hereditary Cancer Syndrome; Tumor predisposition. Identifiers: Orphanet 140162, MedGen C0027672, MeSH D009386, MONDO:0015356.
Renal cell carcinoma. Identifiers: Orphanet 217071, MedGen C0007134, MeSH D002292, MONDO:0005086, HP:0005584.

gnomAD v4.1: 5 of 1,590,344 alleles (0.00031%); highest among the groups gnomAD compares: Non-Finnish European, 0.00034%; no homozygotes.

Submissions (2):

Ambry Genetics
Classification: Likely benign for Hereditary cancer-predisposing syndrome. Last evaluated: 2024-12-17. Review status: criteria provided, single submitter. Criteria: Ambry Variant Classification Scheme 2023. Collection method: clinical testing. Allele origin: germline.

Labcorp Genetics (formerly Invitae), Labcorp
Classification: Uncertain significance for Renal cell carcinoma. Last evaluated: 2024-08-19. Review status: criteria provided, single submitter. Criteria: Invitae Variant Classification Sherloc (09022015). Collection method: clinical testing. Allele origin: germline.
Comment: This sequence change replaces tryptophan, which is neutral and slightly polar, with leucine, which is neutral and non-polar, at codon 757 of the MET protein (p.Trp757Leu). The frequency data for this variant in the population databases is considered unreliable, as metrics indicate poor data quality at this position in the gnomAD database. This variant has not been reported in the literature in individuals affected with MET-related conditions. An algorithm developed to predict the effect of missense changes on protein structure and function (PolyPhen-2) suggests that this variant is likely to be tolerated. In summary, the available evidence is currently insufficient to determine the role of this variant in disease. Therefore, it has been classified as a Variant of Uncertain Significance.

NM_000245.4(MET):c.2265-49G>T

Gene: MET (MET proto-oncogene, receptor tyrosine kinase; plus strand). Cytogenetic location: 7q31.2.
Variant type: single nucleotide variant.
Coding change: c.2265-49G>T on transcript NM_000245.4 (MANE Select); 49 bases into the intron before coding-DNA position 2265, G replaced by T.
Molecular consequence: intron variant. On other transcripts: missense variant (1).
Genome position (GRCh38, 1-based): chr7:116,759,342, G>T. VCF-style: chr7-116759342-G-T. GRCh37 (hg19) VCF-style: chr7-116399396-G-T.
Other names: c.2270G>T, p.Trp757Leu (NM_001127500.3); c.975-49G>T (NM_001324402.2); c.2265-49G>T (NM_001324401.3); short protein forms W757L.
Identifiers: ClinVar variation 3708733 (VCV003708733.3).